The following is an entry in ClinVar:

ClinVar aggregate classification (germline): Likely benign. Review status: criteria provided, multiple submitters, no conflicts (2 of 4 stars). 3 submissions from 3 submitters: Likely benign (2). 1 of the submissions does not count toward it. Last evaluated 2024-11-22.

Conditions:
VARS1-related disorder. Also called: VARS1-related condition.

Allele frequency attached by ClinVar (database versions not stated): 1000 Genomes Project 30x 0.00031; ExAC 0.00031; TOPMed 0.00046; gnomAD 0.00052.
gnomAD v4.1: 331 of 1,603,170 alleles (0.021%); highest among the groups gnomAD compares: African/African-American, 0.12%; 2 homozygotes.

Submissions (3):

Blueprint Genetics
Classification: Likely benign. Last evaluated: 2024-11-22. Review status: criteria provided, single submitter. Criteria: ACMG Guidelines, 2015. Collection method: clinical testing. Allele origin: germline.

CeGaT Center for Human Genetics Tuebingen
Classification: Likely benign. Last evaluated: 2022-08-01. Review status: criteria provided, single submitter. Criteria: CeGaT Center For Human Genetics Tuebingen Variant Classification Criteria Version 2. Collection method: clinical testing. Allele origin: germline. Affected: yes. Observed: 2 variant alleles.
Comment: VARS1: BP4, BP7

PreventionGenetics, part of Exact Sciences
Classification: Likely benign for VARS1-related condition. Last evaluated: 2019-09-17. Review status: no assertion criteria provided. Collection method: clinical testing. Allele origin: germline. Not counted in ClinVar's aggregate classification.
Comment: This variant is classified as likely benign based on ACMG/AMP sequence variant interpretation guidelines (Richards et al. 2015 PMID: 25741868, with internal and published modifications).

NM_006295.3(VARS1):c.3417G>A (p.Ala1139=)

Gene: VARS1 (valyl-tRNA synthetase 1; minus strand). Cytogenetic location: 6p21.33.
Variant type: single nucleotide variant.
Coding change: c.3417G>A on transcript NM_006295.3 (MANE Select); coding-DNA position 3417, G replaced by A.
Protein change: p.Ala1139=; no amino-acid change (alanine 1139 retained).
Molecular consequence: synonymous variant.
Genome position (GRCh38, 1-based): chr6:31,779,276, C>T on the plus strand (G>A on the coding strand, the complement: VARS1 is on the minus strand). VCF-style: chr6-31779276-C-T. GRCh37 (hg19) VCF-style: chr6-31747053-C-T.
Other names: c.3417G>A (NM_006295.2).
Identifiers: ClinVar variation 2656420 (VCV002656420.26), dbSNP rs761105119, ClinGen allele CA3722673.